The following is an entry in ClinVar:

NM_001372.4(DNAH9):c.8715C>T (p.Ile2905=)

Gene: DNAH9 (dynein axonemal heavy chain 9; plus strand). Cytogenetic location: 17p12.
Variant type: single nucleotide variant.
Coding change: c.8715C>T on transcript NM_001372.4 (MANE Select); coding-DNA position 8715, C replaced by T.
Protein change: p.Ile2905=; no amino-acid change (isoleucine 2905 retained).
Molecular consequence: synonymous variant.
Genome position (GRCh38, 1-based): chr17:11,821,927, C>T. VCF-style: chr17-11821927-C-T. GRCh37 (hg19) VCF-style: chr17-11725244-C-T.
Other names: p.Ile2905=; c.8715C>T (NM_001372.3).
Identifiers: ClinVar variation 1600442 (VCV001600442.36), dbSNP rs62060898, ClinGen allele CA8397026.

ClinVar aggregate classification (germline): Benign/Likely benign. Review status: criteria provided, multiple submitters, no conflicts (2 of 4 stars). 6 submissions from 6 submitters: Benign (3); Likely benign (2). 1 of the submissions does not count toward it. Last evaluated 2026-01-29.

Conditions:
DNAH9-related disorder. Also called: DNAH9-related condition.

Allele frequency attached by ClinVar (database versions not stated): 1000 Genomes Project 30x 0.00125; 1000 Genomes Project 0.00140; gnomAD 0.00304 and 0.00339; ESP Exome Variant Server 0.00315; gnomAD exomes 0.00317 and 0.00416; TOPMed 0.00322; ExAC 0.00369.
gnomAD v4.1: 6,556 of 1,611,340 alleles (0.41%); highest among the groups gnomAD compares: Non-Finnish European, 0.5%; 21 homozygotes.

Submissions (6):

Labcorp Genetics (formerly Invitae), Labcorp
Classification: Benign. Last evaluated: 2026-01-29. Review status: criteria provided, single submitter. Criteria: Invitae Variant Classification Sherloc (09022015). Collection method: clinical testing. Allele origin: germline.

Mayo Clinic Laboratories, Mayo Clinic
Classification: Benign. Last evaluated: 2025-09-23. Review status: criteria provided, single submitter. Criteria: ACMG Guidelines, 2015. Collection method: clinical testing. Allele origin: germline. Observed: 1 variant allele.
Comment: BS1, BS2, BP4, BP7

Blueprint Genetics
Classification: Likely benign. Last evaluated: 2024-11-27. Review status: criteria provided, single submitter. Criteria: ACMG Guidelines, 2015. Collection method: clinical testing. Allele origin: germline.

CeGaT Center for Human Genetics Tuebingen
Classification: Likely benign. Last evaluated: 2023-03-01. Review status: criteria provided, single submitter. Criteria: CeGaT Center For Human Genetics Tuebingen Variant Classification Criteria Version 2. Collection method: clinical testing. Allele origin: germline. Affected: yes. Observed: 1 variant allele.
Comment: DNAH9: BP4, BP7, BS2

Breakthrough Genomics
Classification: Benign. Review status: criteria provided, single submitter. Criteria: ACMG Guidelines, 2015. Collection method: not provided. Allele origin: germline. Inheritance: Autosomal recessive inheritance. Affected: yes.

PreventionGenetics, part of Exact Sciences
Classification: Likely benign for DNAH9-related condition. Last evaluated: 2019-06-12. Review status: no assertion criteria provided. Collection method: clinical testing. Allele origin: germline. Not counted in ClinVar's aggregate classification.
Comment: This variant is classified as likely benign based on ACMG/AMP sequence variant interpretation guidelines (Richards et al. 2015 PMID: 25741868, with internal and published modifications).